The following is an entry in ClinVar:

ClinVar aggregate classification (germline): Uncertain significance (1 of 4 stars; one submission).

Conditions:
Hypertrophic cardiomyopathy 14. Identifiers: MedGen C2750467, MONDO:0013197, OMIM 613251.

Allele frequency attached by ClinVar (database versions not stated): gnomAD exomes below 0.00001.
gnomAD v4.1: 1 of 1,613,796 alleles (0.000062%); highest among the groups gnomAD compares: Admixed American, 0.0017%; no homozygotes.

Submission:

Labcorp Genetics (formerly Invitae), Labcorp
Classification: Uncertain significance for Hypertrophic cardiomyopathy 14. Last evaluated: 2025-01-06. Review status: criteria provided, single submitter. Criteria: Invitae Variant Classification Sherloc (09022015). Collection method: clinical testing. Allele origin: germline.
Comment: This sequence change replaces glutamic acid, which is acidic and polar, with lysine, which is basic and polar, at codon 346 of the MYH6 protein (p.Glu346Lys). This variant is present in population databases (no rsID available, gnomAD 0.003%). This variant has not been reported in the literature in individuals affected with MYH6-related conditions. ClinVar contains an entry for this variant (Variation ID: 1446972). Invitae Evidence Modeling of protein sequence and biophysical properties (such as structural, functional, and spatial information, amino acid conservation, physicochemical variation, residue mobility, and thermodynamic stability) indicates that this missense variant is expected to disrupt MYH6 protein function with a positive predictive value of 80%. In summary, the available evidence is currently insufficient to determine the role of this variant in disease. Therefore, it has been classified as a Variant of Uncertain Significance.

NM_002471.4(MYH6):c.1036G>A (p.Glu346Lys)

Gene: MYH6 (myosin heavy chain 6; minus strand). Cytogenetic location: 14q11.2.
Variant type: single nucleotide variant.
Coding change: c.1036G>A on transcript NM_002471.4 (MANE Select); coding-DNA position 1036, G replaced by A.
Protein change: p.Glu346Lys; replaces glutamic acid 346 with lysine.
Molecular consequence: missense variant.
Genome position (GRCh38, 1-based): chr14:23,402,569, C>T on the plus strand (G>A on the coding strand, the complement: MYH6 is on the minus strand). VCF-style: chr14-23402569-C-T. GRCh37 (hg19) VCF-style: chr14-23871778-C-T.
Other names: short protein forms E346K.
Identifiers: ClinVar variation 1446972 (VCV001446972.6), dbSNP rs1262102654, ClinGen allele CA389026398.